The following is an entry in ClinVar:

NM_001044385.3(TMEM237):c.418C>T (p.Gln140Ter)

Gene: TMEM237 (transmembrane protein 237; minus strand). Cytogenetic location: 2q33.1.
Variant type: single nucleotide variant.
Coding change: c.418C>T on transcript NM_001044385.3 (MANE Select); coding-DNA position 418, C replaced by T.
Protein change: p.Gln140Ter; replaces glutamine 140 with a stop codon.
Molecular consequence: nonsense.
Genome position (GRCh38, 1-based): chr2:201,632,186, G>A on the plus strand (C>T on the coding strand, the complement: TMEM237 is on the minus strand). VCF-style: chr2-201632186-G-A. GRCh37 (hg19) VCF-style: chr2-202496909-G-A.
Other names: c.394C>T, p.Gln132Ter (NM_152388.4); short protein forms Q132*, Q140*.
Identifiers: ClinVar variation 635033 (VCV000635033.3), dbSNP rs972221242, ClinGen allele CA63955656.

ClinVar aggregate classification (germline): Likely pathogenic. Review status: criteria provided, multiple submitters, no conflicts (2 of 4 stars). 2 submissions from 2 submitters: Likely pathogenic (2). Last evaluated 2019-06-20.

Conditions:
Joubert syndrome 14 (JBTS14). Identifiers: MedGen C3280766, MONDO:0013745, OMIM 614424.

Allele frequency attached by ClinVar (database versions not stated): gnomAD exomes below 0.00001; TOPMed below 0.00001.
gnomAD v4.1: 5 of 1,613,758 alleles (0.00031%); highest among the groups gnomAD compares: Admixed American, 0.0017%; no homozygotes.

Submissions (2):

Hadassah Hebrew University Medical Center
Classification: Likely pathogenic for Joubert syndrome 14. Last evaluated: 2019-06-20. Review status: criteria provided, single submitter. Criteria: ACMG Guidelines, 2015. Collection method: clinical testing. Allele origin: germline. Inheritance: Autosomal recessive inheritance. Affected: yes.

Broad Center for Mendelian Genomics, Broad Institute of MIT and Harvard
Classification: Likely pathogenic for Joubert syndrome 14. Last evaluated: 2018-06-15. Review status: criteria provided, single submitter. Criteria: ACMG Guidelines, 2015. Collection method: research. Allele origin: germline. Inheritance: Autosomal recessive inheritance. Affected: yes.
Comment: This variant has been identified in <0.01% (1/33566) of Latino chromosomes by the Genome Aggregation Database (gnomAD). Although this variant has been seen in the general population, its frequency is low enough to be consistent with a recessive carrier frequency. Loss of function of the TMEM237 gene is an established disease mechanism in autosomal recessive Joubert syndrome, and this is a loss of function variant. In summary, although additional studies are required to fully establish its pathogenicity, this variant is likely pathogenic.